The following is an entry in ClinVar:

NM_006947.4(SRP72):c.1342T>C (p.Ser448Pro)

Gene: SRP72 (signal recognition particle 72; plus strand). Cytogenetic location: 4q12.
Variant type: single nucleotide variant.
Coding change: c.1342T>C on transcript NM_006947.4 (MANE Select); coding-DNA position 1342, T replaced by C.
Protein change: p.Ser448Pro; replaces serine 448 with proline.
Molecular consequence: missense variant. On other transcripts: non-coding transcript variant (1).
Genome position (GRCh38, 1-based): chr4:56,490,354, T>C. VCF-style: chr4-56490354-T-C. GRCh37 (hg19) VCF-style: chr4-57356520-T-C.
Other names: c.1159T>C, p.Ser387Pro (NM_001267722.2); short protein forms S448P, S387P.
Identifiers: ClinVar variation 3449404 (VCV003449404.2).

ClinVar aggregate classification (germline): Uncertain significance. Review status: criteria provided, multiple submitters, no conflicts (2 of 4 stars). 2 submissions from 2 submitters: Uncertain significance (2). Last evaluated 2024-11-23.

gnomAD v4.1: 2 of 1,613,632 alleles (0.00012%); highest among the groups gnomAD compares: Non-Finnish European, 0.00017%; no homozygotes.

Submissions (2):

Ambry Genetics
Classification: Uncertain significance. Last evaluated: 2024-11-23. Review status: criteria provided, single submitter. Criteria: Ambry Variant Classification Scheme 2023. Collection method: clinical testing. Allele origin: germline.
Comment: The p.S448P variant (also known as c.1342T>C), located in coding exon 14 of the SRP72 gene, results from a T to C substitution at nucleotide position 1342. The serine at codon 448 is replaced by proline, an amino acid with similar properties. This amino acid position is conserved. In addition, the in silico prediction for this alteration is inconclusive. Based on the available evidence, the clinical significance of this variant remains unclear.

Blueprint Genetics
Classification: Uncertain significance. Last evaluated: 2022-04-12. Review status: criteria provided, single submitter. Criteria: ACMG Guidelines, 2015. Collection method: clinical testing. Allele origin: germline.